The following is an entry in ClinVar:

NM_199420.4(POLQ):c.2410G>T (p.Ala804Ser)

Gene: POLQ (DNA polymerase theta; minus strand). Cytogenetic location: 3q13.33.
Variant type: single nucleotide variant.
Coding change: c.2410G>T on transcript NM_199420.4 (MANE Select); coding-DNA position 2410, G replaced by T.
Protein change: p.Ala804Ser; replaces alanine 804 with serine.
Molecular consequence: missense variant.
Genome position (GRCh38, 1-based): chr3:121,493,590, C>A on the plus strand (G>T on the coding strand, the complement: POLQ is on the minus strand). VCF-style: chr3-121493590-C-A. GRCh37 (hg19) VCF-style: chr3-121212437-C-A.
Other names: short protein forms A804S.
Identifiers: ClinVar variation 1790891 (VCV001790891.2), dbSNP rs749984399, ClinGen allele CA2563270.

ClinVar aggregate classification (germline): Uncertain significance (1 of 4 stars; one submission).

Allele frequency attached by ClinVar (database versions not stated): TOPMed below 0.00001; ExAC 0.00001.
gnomAD v4.1: 3 of 1,614,108 alleles (0.00019%); highest among the groups gnomAD compares: Admixed American, 0.005%; no homozygotes.

Submission:

Ambry Genetics
Classification: Uncertain significance. Last evaluated: 2022-08-22. Review status: criteria provided, single submitter. Criteria: Ambry Variant Classification Scheme 2023. Collection method: clinical testing. Allele origin: germline.
Comment: The p.A804S variant (also known as c.2410G>T), located in coding exon 15 of the POLQ gene, results from a G to T substitution at nucleotide position 2410. The alanine at codon 804 is replaced by serine, an amino acid with similar properties. This amino acid position is conserved. In addition, this alteration is predicted to be tolerated by in silico analysis. Since supporting evidence is limited at this time, the clinical significance of this alteration remains unclear.